The following is an entry in ClinVar:

ClinVar aggregate classification (germline): Uncertain significance (1 of 4 stars; one submission).

Allele frequency attached by ClinVar (database versions not stated): TOPMed below 0.00001; gnomAD exomes 0.00001.
gnomAD v4.1: 10 of 1,611,930 alleles (0.00062%); highest among the groups gnomAD compares: Non-Finnish European, 0.00076%; no homozygotes.

Submission:

Labcorp Genetics (formerly Invitae), Labcorp
Classification: Uncertain significance. Last evaluated: 2024-05-10. Review status: criteria provided, single submitter. Criteria: Invitae Variant Classification Sherloc (09022015). Collection method: clinical testing. Allele origin: germline.
Comment: This sequence change replaces proline, which is neutral and non-polar, with serine, which is neutral and polar, at codon 510 of the COL9A2 protein (p.Pro510Ser). The frequency data for this variant in the population databases is considered unreliable, as metrics indicate poor data quality at this position in the gnomAD database. This variant has not been reported in the literature in individuals affected with COL9A2-related conditions. ClinVar contains an entry for this variant (Variation ID: 2413234). Advanced modeling of protein sequence and biophysical properties (such as structural, functional, and spatial information, amino acid conservation, physicochemical variation, residue mobility, and thermodynamic stability) performed at Invitae indicates that this missense variant is not expected to disrupt COL9A2 protein function with a negative predictive value of 95%. In summary, the available evidence is currently insufficient to determine the role of this variant in disease. Therefore, it has been classified as a Variant of Uncertain Significance.

NM_001852.4(COL9A2):c.1528C>T (p.Pro510Ser)

Gene: COL9A2 (collagen type IX alpha 2 chain; minus strand). Cytogenetic location: 1p34.2.
Variant type: single nucleotide variant.
Coding change: c.1528C>T on transcript NM_001852.4 (MANE Select); coding-DNA position 1528, C replaced by T.
Protein change: p.Pro510Ser; replaces proline 510 with serine.
Molecular consequence: missense variant.
Genome position (GRCh38, 1-based): chr1:40,303,550, G>A on the plus strand (C>T on the coding strand, the complement: COL9A2 is on the minus strand). VCF-style: chr1-40303550-G-A. GRCh37 (hg19) VCF-style: chr1-40769222-G-A.
Other names: short protein forms P510S.
Identifiers: ClinVar variation 2413234 (VCV002413234.5), dbSNP rs1381090165, ClinGen allele CA339877905.